The following is an entry in ClinVar:

ClinVar aggregate classification (germline): Uncertain significance. Review status: criteria provided, multiple submitters, no conflicts (2 of 4 stars). 2 submissions from 2 submitters: Uncertain significance (2). Last evaluated 2026-01-21.

Conditions:
Inborn genetic diseases. Identifiers: MedGen C0950123, MeSH D030342.
Pulmonary fibrosis and/or bone marrow failure, Telomere-related, 3. Also called: PULMONARY FIBROSIS AND/OR BONE MARROW FAILURE SYNDROME, TELOMERE-RELATED, 3. Identifiers: Orphanet 2032, MedGen C4225346, MONDO:0014613, OMIM 616373.
Dyskeratosis congenita, autosomal recessive 5 (DKCB5). Identifiers: MedGen C3554656, MONDO:0014076, OMIM 615190.

Submissions (2):

Labcorp Genetics (formerly Invitae), Labcorp
Classification: Uncertain significance for Dyskeratosis congenita, autosomal recessive 5; Pulmonary fibrosis and/or bone marrow failure, Telomere-related, 3. Last evaluated: 2026-01-21. Review status: criteria provided, single submitter. Criteria: Invitae Variant Classification Sherloc (09022015). Collection method: clinical testing. Allele origin: germline.
Comment: This sequence change replaces lysine, which is basic and polar, with threonine, which is neutral and polar, at codon 165 of the RTEL1 protein (p.Lys165Thr). This variant is not present in population databases (gnomAD no frequency). This variant has not been reported in the literature in individuals affected with RTEL1-related conditions. ClinVar contains an entry for this variant (Variation ID: 3790963). An algorithm developed to predict the effect of missense changes on protein structure and function (PolyPhen-2) suggests that this variant is likely to be tolerated. In summary, the available evidence is currently insufficient to determine the role of this variant in disease. Therefore, it has been classified as a Variant of Uncertain Significance.

Ambry Genetics
Classification: Uncertain significance for Inborn genetic diseases. Last evaluated: 2024-12-14. Review status: criteria provided, single submitter. Criteria: Ambry Variant Classification Scheme 2023. Collection method: clinical testing. Allele origin: germline.
Comment: The p.K165T variant (also known as c.494A>C), located in coding exon 5 of the RTEL1 gene, results from an A to C substitution at nucleotide position 494. The lysine at codon 165 is replaced by threonine, an amino acid with similar properties. This amino acid position is conserved. In addition, this alteration is predicted to be tolerated by in silico analysis. Based on the available evidence, the clinical significance of this variant remains unclear.

NM_001283009.2(RTEL1):c.494A>C (p.Lys165Thr)

Genes: RTEL1 (regulator of telomere elongation helicase 1; plus strand), RTEL1-TNFRSF6B (RTEL1-TNFRSF6B readthrough (NMD candidate); plus strand). Cytogenetic location: 20q13.33.
Variant type: single nucleotide variant.
Coding change: c.494A>C on transcript NM_001283009.2 (MANE Select); coding-DNA position 494, A replaced by C.
Protein change: p.Lys165Thr; replaces lysine 165 with threonine.
Molecular consequence: missense variant. On other transcripts: non-coding transcript variant (1), 5 prime UTR variant (1).
Genome position (GRCh38, 1-based): chr20:63,662,845, A>C. VCF-style: chr20-63662845-A-C. GRCh37 (hg19) VCF-style: chr20-62294198-A-C.
Other names: c.-176A>C (NM_001283010.1); c.494A>C, p.Lys165Thr (NM_016434.4); c.566A>C, p.Lys189Thr (NM_032957.5); short protein forms K165T, K189T.
Identifiers: ClinVar variation 3790963 (VCV003790963.2).
Genomic context (GRCh38, chr20:63,662,845, plus strand): 5'-TCTTGGCCGTGCTTCAGCTGCGCACTCTGCCCTTCCTCCCACAGATCCACTTGTGCCGTA[A>C]GAAGGTGGCAAGTCGCTCCTGTCATTTCTACAACAACGTAGAAGGTACAAGCAGCTGGGT-3'
Protein context (NP_001269938.1, residues 155-175): SNHLQIHLCR[Lys165Thr]KVASRSCHFY